The following is an entry in ClinVar:

NM_006005.3(WFS1):c.461-91G>A

Gene: WFS1 (wolframin ER transmembrane glycoprotein; plus strand). Cytogenetic location: 4p16.1.
Variant type: single nucleotide variant.
Coding change: c.461-91G>A on transcript NM_006005.3 (MANE Select); 91 bases into the intron before coding-DNA position 461, G replaced by A.
Molecular consequence: intron variant.
Genome position (GRCh38, 1-based): chr4:6,291,106, G>A. VCF-style: chr4-6291106-G-A. GRCh37 (hg19) VCF-style: chr4-6292833-G-A.
Other names: c.461-91G>A (NM_001145853.1).
Identifiers: ClinVar variation 676945 (VCV000676945.3), dbSNP rs71539642, ClinGen allele CA11805837.
Genomic context (GRCh38, chr4:6,291,106, plus strand): 5'-CAGATGTCCATGCATCCTTCCCTGGTAACCAAGTCCTGACACCTTCTATGAGTCTCGCTC[G>A]AAAGCCTTCCAGGCAGAGTTGGCAGGGTCAGAGTGGCACCGAAAGCCTAGGCAGGGCACA-3'

ClinVar aggregate classification (germline): Benign/Likely benign. Review status: criteria provided, multiple submitters, no conflicts (2 of 4 stars). 3 submissions from 3 submitters: Benign (1); Likely benign (2). Last evaluated 2018-06-14.

Conditions:
Wolfram syndrome 1 (WFS1). Identifiers: Orphanet 3463, MedGen C4551693, MONDO:0009101, OMIM 222300.

Allele frequency attached by ClinVar (database versions not stated): gnomAD 0.01097 and 0.01155; TOPMed 0.01238; 1000 Genomes Project 30x 0.01546; 1000 Genomes Project 0.01558.
gnomAD v4.1: 3,882 of 1,472,726 alleles (0.26%); highest among the groups gnomAD compares: African/African-American, 3.6%; 53 homozygotes.

Submissions (3):

GeneDx
Classification: Likely benign. Last evaluated: 2018-06-14. Review status: criteria provided, single submitter. Criteria: GeneDx Variant Classification (06012015). Collection method: clinical testing. Allele origin: germline. Affected: yes.
Comment: This variant is considered likely benign or benign based on one or more of the following criteria: it is a conservative change, it occurs at a poorly conserved position in the protein, it is predicted to be benign by multiple in silico algorithms, and/or has population frequency not consistent with disease.

Breakthrough Genomics
Classification: Likely benign. Review status: criteria provided, single submitter. Criteria: ACMG Guidelines, 2015. Collection method: not provided. Allele origin: germline. Inheritance: Autosomal recessive inheritance. Affected: yes.

Clinical Genomics, Uppaluri K&H Personalized Medicine Clinic
Classification: Benign for Wolfram syndrome 1. Review status: criteria provided, single submitter. Criteria: K & H Uppaluri Personalized Medicine Clinic Variant Classification & Assertion Criteria_Updated V.1. Collection method: research. Allele origin: unknown. Inheritance: Autosomal recessive inheritance.
Comment: Potent mutations in WFS1 gene are associated with Wolfram's syndrome, an autosomal recessive condition, which cause diabetes mellitus, diabetes insipidus, deafness and optic atrophy. However no sufficient evidence is found to ascertain the role of this particular variant rs71539642 in Wolfram's syndrome yet.

Literature cited by the submitters: PubMed 20738327 (cited by Clinical Genomics, Uppaluri K&H Personalized Medicine Clinic); PubMed 33879153 (cited by Clinical Genomics, Uppaluri K&H Personalized Medicine Clinic); PubMed 12955714 (cited by Clinical Genomics, Uppaluri K&H Personalized Medicine Clinic); PubMed 18060660 (cited by Clinical Genomics, Uppaluri K&H Personalized Medicine Clinic); PubMed 20301750 (cited by Clinical Genomics, Uppaluri K&H Personalized Medicine Clinic); PubMed 17603484 (cited by Clinical Genomics, Uppaluri K&H Personalized Medicine Clinic).